The following is an entry in ClinVar:

NM_000548.5(TSC2):c.3963G>C (p.Glu1321Asp)

Gene: TSC2 (TSC complex subunit 2; plus strand). Cytogenetic location: 16p13.3.
Variant type: single nucleotide variant.
Coding change: c.3963G>C on transcript NM_000548.5 (MANE Select); coding-DNA position 3963, G replaced by C.
Protein change: p.Glu1321Asp; replaces glutamic acid 1321 with aspartic acid.
Molecular consequence: missense variant.
Genome position (GRCh38, 1-based): chr16:2,083,774, G>C. VCF-style: chr16-2083774-G-C. GRCh37 (hg19) VCF-style: chr16-2133775-G-C.
Other names: c.3963G>C (NM_000548.4); c.3762G>C, p.Glu1254Asp (NM_001077183.3); c.3894G>C, p.Glu1298Asp (NM_001114382.3); c.3654G>C, p.Glu1218Asp (NM_001318827.2); c.3618G>C, p.Glu1206Asp (NM_001318829.2); c.3231G>C, p.Glu1077Asp (NM_001318831.2); c.3795G>C, p.Glu1265Asp (NM_001318832.2); c.3765G>C, p.Glu1255Asp (NM_001363528.2); and 2 more; short protein forms E1321D, E1254D, E1255D, E1265D, E1278D, E1077D, E1206D, E1218D.
Identifiers: ClinVar variation 135384 (VCV000135384.25), dbSNP rs587778737, ClinGen allele CA019763.
Genomic context (GRCh38, chr16:2,083,774, plus strand): 5'-GGAGGGAAGTCCGGGCGAGGTTCCTGTGCTGGTGGAGCCCCCAGGGTTGGAGGACGTTGA[G>C]GCAGCGCTAGGCATGGACAGGCGCACGGATGCCTACAGCAGGGTGAGTGTGGCTCAGAGC-3'
Protein context (NP_000539.2, residues 1311-1331): LVEPPGLEDV[Glu1321Asp]AALGMDRRTD

ClinVar aggregate classification (germline): Conflicting classifications of pathogenicity. Review status: criteria provided, conflicting classifications (1 of 4 stars). 9 submissions from 9 submitters: Uncertain significance (5); Benign (1); Likely benign (2). 1 of the submissions does not count toward it. Last evaluated 2025-12-08.

Conditions:
TSC2-related disorder. Also called: TSC2-Related Disorders; TSC2-related condition.
Hereditary cancer-predisposing syndrome. Also called: Neoplastic Syndromes, Hereditary; Tumor predisposition; Hereditary Cancer Syndrome; Hereditary neoplastic syndrome. Identifiers: Orphanet 140162, MedGen C0027672, MeSH D009386, MONDO:0015356.
Tuberous sclerosis syndrome (TSC). Also called: Tuberous Sclerosis Complex; Tuberous sclerosis. Identifiers: Orphanet 805, MedGen C0041341, MONDO:0001734.
Tuberous sclerosis 2 (TSC2). Identifiers: Orphanet 805, MedGen C1860707, MONDO:0013199, OMIM 613254.

Allele frequency attached by ClinVar (database versions not stated): ExAC 0.00001; gnomAD 0.00001; gnomAD exomes 0.00001; TOPMed 0.00003.
gnomAD v4.1: 12 of 1,611,076 alleles (0.00074%); highest among the groups gnomAD compares: Non-Finnish European, 0.001%; no homozygotes.

Submissions (9):

Labcorp Genetics (formerly Invitae), Labcorp
Classification: Benign for Tuberous sclerosis 2. Last evaluated: 2025-12-08. Review status: criteria provided, single submitter. Criteria: Invitae Variant Classification Sherloc (09022015). Collection method: clinical testing. Allele origin: germline.

PreventionGenetics, part of Exact Sciences
Classification: Uncertain significance for TSC2-related condition. Last evaluated: 2025-08-04. Review status: criteria provided, single submitter. Criteria: ACMG Guidelines, 2015. Collection method: clinical testing. Allele origin: germline.
Comment: The TSC2 c.3963G>C variant is predicted to result in the amino acid substitution p.Glu1321Asp. To our knowledge, this variant has not been reported in the literature. This variant is reported in 0.0018% of alleles in individuals of European (Non-Finnish) descent in gnomAD. This variant has conflicting classifications in ClinVar ranging from benign to uncertain (Variation ID: 135384). At this time, the clinical significance of this variant is uncertain due to the absence of conclusive functional and genetic evidence.

Ambry Genetics
Classification: Likely benign for Hereditary cancer-predisposing syndrome. Last evaluated: 2025-07-30. Review status: criteria provided, single submitter. Criteria: Ambry Variant Classification Scheme 2023. Collection method: clinical testing. Allele origin: germline.

Color Diagnostics, LLC DBA Color Health
Classification: Uncertain significance for Tuberous sclerosis syndrome. Last evaluated: 2025-06-19. Review status: criteria provided, single submitter. Criteria: ACMG Guidelines, 2015. Collection method: clinical testing. Allele origin: germline.
Comment: This missense variant replaces glutamic acid with aspartic acid at codon 1321 of the TSC2 protein. Computational prediction is inconclusive regarding the impact of this variant on protein structure and function. To our knowledge, functional studies have not been reported for this variant. This variant has not been reported in individuals affected with TSC2-related disorders in the literature. This variant has been identified in 2/244976 chromosomes in the general population by the Genome Aggregation Database (gnomAD). The available evidence is insufficient to determine the role of this variant in disease conclusively. Therefore, this variant is classified as a Variant of Uncertain Significance.

St. Jude Molecular Pathology, St. Jude Children's Research Hospital
Classification: Uncertain significance for Tuberous sclerosis 2. Last evaluated: 2024-01-26. Review status: criteria provided, single submitter. Criteria: St. Jude Assertion Criteria 2020. Collection method: clinical testing. Allele origin: germline.
Comment: The TSC2 c.3963G>C (p.Glu1321Asp) missense change has a maximum subpopulation frequency of 0.001% in gnomAD v2.1.1. The in silico tool REVEL is inconclusive about a pathogenic or benign effect of this variant on protein function, and to our knowledge functional studies have not been performed. To our knowledge, this variant has not been reported in individuals with tuberous sclerosis complex. In summary, the evidence currently available is insufficient to determine the clinical significance of this variant. It has therefore been classified as of uncertain significance.

All of Us Research Program, National Institutes of Health
Classification: Uncertain significance for Tuberous sclerosis syndrome. Last evaluated: 2023-12-01. Review status: criteria provided, single submitter. Criteria: ACMG Guidelines, 2015. Collection method: clinical testing. Allele origin: germline. Inheritance: Autosomal dominant inheritance. Observed: 8 variant alleles, 8 heterozygotes.
Comment: This missense variant replaces glutamic acid with aspartic acid at codon 1321 of the TSC2 protein. Computational prediction is inconclusive regarding the impact of this variant on protein structure and function (internally defined REVEL score threshold 0.5 < inconclusive < 0.7, PMID: 27666373). To our knowledge, functional studies have not been reported for this variant. This variant has not been reported in individuals affected with tuberous sclerosis complex in the literature. This variant has been identified in 2/244976 chromosomes in the general population by the Genome Aggregation Database (gnomAD). The available evidence is insufficient to determine the role of this variant in disease conclusively. Therefore, this variant is classified as a Variant of Uncertain Significance.

This study involves interpretation of variants in research participants for the purpose of population health screening. Participant phenotype was not available at the time of variant classification. Additional details can be found in publication PMID: 35346344, PMCID: PMC8962531

Genome-Nilou Lab
Classification: Likely benign for Tuberous sclerosis 2. Last evaluated: 2021-11-07. Review status: criteria provided, single submitter. Criteria: ACMG Guidelines, 2015. Collection method: clinical testing. Allele origin: germline. Affected: no.

Blueprint Genetics
Classification: Uncertain significance. Last evaluated: 2018-10-31. Review status: criteria provided, single submitter. Criteria: ACMG Guidelines, 2015. Collection method: clinical testing. Allele origin: germline.

ITMI
No classification provided. Condition: AllHighlyPenetrant. Last evaluated: 2013-09-19. Review status: no classification provided. Collection method: reference population. Allele origin: germline. Not counted in ClinVar's aggregate classification.
Comment: Please see associated publication for description of ethnicities

Literature cited by the submitters: PubMed 24728327 (cited by ITMI).